The following is an entry in ClinVar:

ClinVar aggregate classification (germline): Pathogenic. Review status: criteria provided, single submitter (1 of 4 stars). 3 submissions from 3 submitters: Pathogenic (1). 2 of the submissions do not count toward it. Last evaluated 2025-07-09.

Conditions:
Warburg micro syndrome 1 (WARBM1). Identifiers: Orphanet 2510, MedGen C1838625, MONDO:0010822, OMIM 600118.

Allele frequency attached by ClinVar (database versions not stated): gnomAD exomes below 0.00001.
gnomAD v4.1: 2 of 1,609,572 alleles (0.00012%); highest among the groups gnomAD compares: Non-Finnish European, 0.00017%; no homozygotes.

Submissions (3):

Labcorp Genetics (formerly Invitae), Labcorp
Classification: Pathogenic. Last evaluated: 2025-07-09. Review status: criteria provided, single submitter. Criteria: Invitae Variant Classification Sherloc (09022015). Collection method: clinical testing. Allele origin: germline.
Comment: This sequence change creates a premature translational stop signal (p.Leu829*) in the RAB3GAP1 gene. It is expected to result in an absent or disrupted protein product. Loss-of-function variants in RAB3GAP1 are known to be pathogenic (PMID: 23420520). This variant is not present in population databases (gnomAD no frequency). This premature translational stop signal has been observed in individual(s) with Warburg Micro syndrome (PMID: 29675078). ClinVar contains an entry for this variant (Variation ID: 591696). Algorithms developed to predict the effect of sequence changes on RNA splicing suggest that this variant may disrupt the consensus splice site. For these reasons, this variant has been classified as Pathogenic.

Laboratory of Medical Genetics, University of Torino
Classification: Pathogenic for Warburg micro syndrome 1. Last evaluated: 2021-03-11. Review status: no assertion criteria provided. Collection method: research. Allele origin: inherited. Affected: yes. Not counted in ClinVar's aggregate classification.

Gharavi Laboratory, Columbia University
Classification: Uncertain significance. Last evaluated: 2018-09-16. Review status: no assertion criteria provided. Criteria: ACMG Guidelines, 2015. Collection method: research. Allele origin: germline. Affected: yes. Not counted in ClinVar's aggregate classification.

Literature cited by the submitters: PubMed 23420520 (cited by Labcorp Genetics (formerly Invitae), Labcorp); PubMed 29675078 (cited by Labcorp Genetics (formerly Invitae), Labcorp).

NM_012233.3(RAB3GAP1):c.2486T>A (p.Leu829Ter)

Gene: RAB3GAP1 (RAB3 GTPase activating protein catalytic subunit 1; plus strand). Cytogenetic location: 2q21.3.
Variant type: single nucleotide variant.
Coding change: c.2486T>A on transcript NM_012233.3 (MANE Select); coding-DNA position 2486, T replaced by A.
Protein change: p.Leu829Ter; replaces leucine 829 with a stop codon.
Molecular consequence: nonsense.
Genome position (GRCh38, 1-based): chr2:135,162,847, T>A. VCF-style: chr2-135162847-T-A. GRCh37 (hg19) VCF-style: chr2-135920417-T-A.
Other names: c.2486T>A, p.Leu829Ter (NM_001172435.2); short protein forms L829*.
Identifiers: ClinVar variation 591696 (VCV000591696.4), dbSNP rs1558805781, ClinGen allele CA348585962.